The following is an entry in ClinVar:

NM_003072.5(SMARCA4):c.486G>T (p.Leu162Phe)

Gene: SMARCA4 (SWI/SNF related BAF chromatin remodeling complex subunit ATPase 4; plus strand). Cytogenetic location: 19p13.2.
Variant type: single nucleotide variant.
Coding change: c.486G>T on transcript NM_003072.5 (MANE Select); coding-DNA position 486, G replaced by T.
Protein change: p.Leu162Phe; replaces leucine 162 with phenylalanine.
Molecular consequence: missense variant. On other transcripts: non-coding transcript variant (1).
Genome position (GRCh38, 1-based): chr19:10,986,319, G>T. VCF-style: chr19-10986319-G-T. GRCh37 (hg19) VCF-style: chr19-11096995-G-T.
Other names: c.486G>T, p.Leu162Phe (NM_001128844.3, NM_001128845.2, NM_001128846.2 and 6 more transcripts); short protein forms L162F.
Identifiers: ClinVar variation 1743708 (VCV001743708.2), dbSNP rs34149887, ClinGen allele CA305286720.

ClinVar aggregate classification (germline): Uncertain significance (1 of 4 stars; one submission).

Conditions:
Hereditary cancer-predisposing syndrome. Also called: Hereditary Cancer Syndrome; Neoplastic Syndromes, Hereditary; Tumor predisposition; Hereditary neoplastic syndrome. Identifiers: Orphanet 140162, MedGen C0027672, MeSH D009386, MONDO:0015356.

Submission:

Ambry Genetics
Classification: Uncertain significance for Hereditary cancer-predisposing syndrome. Last evaluated: 2022-08-30. Review status: criteria provided, single submitter. Criteria: Ambry Variant Classification Scheme 2023. Collection method: clinical testing. Allele origin: germline.
Comment: The p.L162F variant (also known as c.486G>T), located in coding exon 3 of the SMARCA4 gene, results from a G to T substitution at nucleotide position 486. The leucine at codon 162 is replaced by phenylalanine, an amino acid with highly similar properties. This amino acid position is well conserved in available vertebrate species. In addition, the in silico prediction for this alteration is inconclusive. Missense and in-frame variants in SMARCA4 are known to cause neurodevelopmental disorders; however, such associations with rhabdoid tumor predisposition syndrome including small cell carcinoma of the ovary-hypercalcemic type (SCCOHT) are exceedingly rare (Kosho T et al. Am J Med Genet C Semin Med Genet. 2014 Sep;166C(3):262-75; Jelinic P et al. Nat Genet. 2014 May;46(5):424-6). Based on the supporting evidence, the association of this alteration with Coffin-Siris syndrome is unknown; however, the association of this alteration with rhabdoid tumor predisposition syndrome is unlikely.